The following is an entry in ClinVar:

NM_021927.3(GUF1):c.1335+6T>C

Gene: GUF1 (GTP binding elongation factor GUF1; plus strand). Cytogenetic location: 4p12.
Variant type: single nucleotide variant.
Coding change: c.1335+6T>C on transcript NM_021927.3 (MANE Select); 6 bases into the intron after coding-DNA position 1335, T replaced by C.
Molecular consequence: intron variant.
Genome position (GRCh38, 1-based): chr4:44,689,981, T>C. VCF-style: chr4-44689981-T-C. GRCh37 (hg19) VCF-style: chr4-44691998-T-C.
Other names: c.1335+6T>C (NM_001345868.2); c.363+6T>C (NM_001345867.2, NM_001345869.2).
Identifiers: ClinVar variation 1522513 (VCV001522513.6), dbSNP rs760185239, ClinGen allele CA2905601.

ClinVar aggregate classification (germline): Uncertain significance (1 of 4 stars; one submission).

Allele frequency attached by ClinVar (database versions not stated): TOPMed below 0.00001; gnomAD 0.00001; gnomAD exomes 0.00001; ExAC 0.00002.
gnomAD v4.1: 5 of 1,566,764 alleles (0.00032%); highest among the groups gnomAD compares: Admixed American, 0.0069%; no homozygotes.

Submission:

Labcorp Genetics (formerly Invitae), Labcorp
Classification: Uncertain significance. Last evaluated: 2024-08-11. Review status: criteria provided, single submitter. Criteria: Invitae Variant Classification Sherloc (09022015). Collection method: clinical testing. Allele origin: germline.
Comment: This sequence change falls in intron 11 of the GUF1 gene. It does not directly change the encoded amino acid sequence of the GUF1 protein. It affects a nucleotide within the consensus splice site. This variant is present in population databases (rs760185239, gnomAD 0.006%). This variant has not been reported in the literature in individuals affected with GUF1-related conditions. ClinVar contains an entry for this variant (Variation ID: 1522513). Variants that disrupt the consensus splice site are a relatively common cause of aberrant splicing (PMID: 17576681, 9536098). Algorithms developed to predict the effect of sequence changes on RNA splicing suggest that this variant is not likely to affect RNA splicing. In summary, the available evidence is currently insufficient to determine the role of this variant in disease. Therefore, it has been classified as a Variant of Uncertain Significance.

Literature cited by the submitters: PubMed 17576681; PubMed 9536098.